The following is an entry in ClinVar:

ClinVar aggregate classification (germline): Uncertain significance (1 of 4 stars; one submission).

Conditions:
Inborn genetic diseases. Identifiers: MedGen C0950123, MeSH D030342.

gnomAD v4.1: 2 of 1,613,846 alleles (0.00012%); highest among the groups gnomAD compares: Admixed American, 0.0017%; no homozygotes.

Submission:

Ambry Genetics
Classification: Uncertain significance for Inborn genetic diseases. Last evaluated: 2026-01-09. Review status: criteria provided, single submitter. Criteria: Ambry Variant Classification Scheme 2023. Collection method: clinical testing. Allele origin: germline.
Comment: The c.1740G>C (p.R580S) alteration is located in exon 11 (coding exon 10) of the BEST1 gene. This alteration results from a G to C substitution at nucleotide position 1740, causing the arginine (R) at amino acid position 580 to be replaced by a serine (S). Based on data from gnomAD, the C allele has an overall frequency of 0.003% (1/31392) total alleles studied. The highest observed frequency was 0.118% (1/846) of Latino alleles. Based on insufficient or conflicting evidence, the clinical significance of this alteration remains unclear.

NM_004183.4(BEST1):c.1740G>C (p.Arg580Ser)

Gene: BEST1 (bestrophin 1; plus strand). Cytogenetic location: 11q12.3.
Variant type: single nucleotide variant.
Coding change: c.1740G>C on transcript NM_004183.4 (MANE Select); coding-DNA position 1740, G replaced by C.
Protein change: p.Arg580Ser; replaces arginine 580 with serine.
Molecular consequence: missense variant. On other transcripts: 3 prime UTR variant (10), non-coding transcript variant (1).
Genome position (GRCh38, 1-based): chr11:61,964,104, G>C. VCF-style: chr11-61964104-G-C. GRCh37 (hg19) VCF-style: chr11-61731576-G-C.
Other names: c.*955G>C (NM_001139443.3, NM_001363591.3, NM_001363593.3 and 6 more transcripts); c.1479G>C, p.Arg493Ser (NM_001300786.2); c.1560G>C, p.Arg520Ser (NM_001300787.2); c.*1845G>C (NM_001363592.2); short protein forms R580S, R520S, R493S.
Identifiers: ClinVar variation 4828896 (VCV004828896.1).